The following is an entry in ClinVar:

NM_138694.4(PKHD1):c.2176_2177delinsT (p.Gly726fs)

Gene: PKHD1 (PKHD1 ciliary IPT domain containing fibrocystin/polyductin; minus strand). Cytogenetic location: 6p12.2.
Variant type: Indel.
Coding change: c.2176_2177delinsT on transcript NM_138694.4 (MANE Select); coding-DNA positions 2176 to 2177, GG replaced by T.
Protein change: p.Gly726fs; shifts the reading frame from glycine 726.
Molecular consequence: frameshift variant.
Genome position (GRCh38, 1-based): chr6:52,050,259-52,050,260, CC replaced by A on the plus strand (GG replaced by T on the coding strand, the reverse complement: PKHD1 is on the minus strand). VCF-style: chr6-52050259-CC-A. GRCh37 (hg19) VCF-style: chr6-51915057-CC-A.
Other names: c.2176_2177delinsT, p.Gly726fs (NM_170724.3); short protein forms G726fs.
Identifiers: ClinVar variation 642403 (VCV000642403.6), dbSNP rs1581956689, ClinGen allele CA915944288.

ClinVar aggregate classification (germline): Pathogenic (1 of 4 stars; one submission).

Conditions:
Autosomal recessive polycystic kidney disease (ARPKD). Also called: AR polycystic kidney disease. Identifiers: Orphanet 731, Orphanet 8378, MedGen C0085548, MeSH D017044, MONDO:0009889.

Submission:

Labcorp Genetics (formerly Invitae), Labcorp
Classification: Pathogenic for Autosomal recessive polycystic kidney disease. Last evaluated: 2018-09-04. Review status: criteria provided, single submitter. Criteria: Invitae Variant Classification Sherloc (09022015). Collection method: clinical testing. Allele origin: germline.
Comment: This variant is not present in population databases (ExAC no frequency). This sequence change creates a premature translational stop signal (p.Gly726Serfs*51) in the PKHD1 gene. It is expected to result in an absent or disrupted protein product. This variant has not been reported in the literature in individuals with PKHD1-related disease. Loss-of-function variants in PKHD1 are known to be pathogenic (PMID: 19940839). For these reasons, this variant has been classified as Pathogenic.

Literature cited by the submitters: PubMed 19940839.